The following is an entry in ClinVar:

NM_001486.4(GCKR):c.832C>G (p.His278Asp)

Gene: GCKR (glucokinase regulator; plus strand). Cytogenetic location: 2p23.3.
Variant type: single nucleotide variant.
Coding change: c.832C>G on transcript NM_001486.4 (MANE Select); coding-DNA position 832, C replaced by G.
Protein change: p.His278Asp; replaces histidine 278 with aspartic acid.
Molecular consequence: missense variant.
Genome position (GRCh38, 1-based): chr2:27,505,799, C>G. VCF-style: chr2-27505799-C-G. GRCh37 (hg19) VCF-style: chr2-27728666-C-G.
Other names: short protein forms H278D.
Identifiers: ClinVar variation 2537445 (VCV002537445.3), dbSNP rs747206533, ClinGen allele CA1581737.

ClinVar aggregate classification (germline): Uncertain significance. Review status: criteria provided, multiple submitters, no conflicts (2 of 4 stars). 2 submissions from 2 submitters: Uncertain significance (2). Last evaluated 2025-08-19.

Allele frequency attached by ClinVar (database versions not stated): gnomAD exomes 0.00001; ExAC 0.00002; TOPMed 0.00003.
gnomAD v4.1: 15 of 1,605,418 alleles (0.00093%); highest among the groups gnomAD compares: East Asian, 0.033%; no homozygotes.

Submissions (2):

Labcorp Genetics (formerly Invitae), Labcorp
Classification: Uncertain significance. Last evaluated: 2025-08-19. Review status: criteria provided, single submitter. Criteria: Invitae Variant Classification Sherloc (09022015). Collection method: clinical testing. Allele origin: germline.
Comment: This sequence change replaces histidine, which is basic and polar, with aspartic acid, which is acidic and polar, at codon 278 of the GCKR protein (p.His278Asp). This variant is present in population databases (rs747206533, gnomAD 0.03%). This variant has not been reported in the literature in individuals affected with GCKR-related conditions. ClinVar contains an entry for this variant (Variation ID: 2537445). Invitae Evidence Modeling of protein sequence and biophysical properties (such as structural, functional, and spatial information, amino acid conservation, physicochemical variation, residue mobility, and thermodynamic stability) has been performed for this missense variant. However, the output from this modeling did not meet the statistical confidence thresholds required to predict the impact of this variant on GCKR protein function. In summary, the available evidence is currently insufficient to determine the role of this variant in disease. Therefore, it has been classified as a Variant of Uncertain Significance.

Ambry Genetics
Classification: Uncertain significance. Last evaluated: 2023-05-08. Review status: criteria provided, single submitter. Criteria: Ambry Variant Classification Scheme 2023. Collection method: clinical testing. Allele origin: germline.